The following is an entry in ClinVar:

ClinVar aggregate classification (germline): Pathogenic (1 of 4 stars; one submission).

Submission:

ISCA site 4
Classification: Pathogenic. Last evaluated: 2011-08-12. Review status: criteria provided, single submitter. Criteria: Kaminsky et al. (Genet Med. 2011). Collection method: clinical testing. Allele origin: unknown. Affected: yes. Observed: 1 variant allele.
Comment: Copy number variation identified through the course of routine clinical cytogenomic testing in postnatal populations. Clinical assertions have been curated as described in Kaminsky et al. 2011.

GRCh38/hg38 20p13-11.23(chr20:89939-19146279)x3

Genes: MCM8-AS1 (MCM8 antisense RNA 1; minus strand), MGME1 (mitochondrial genome maintenance exonuclease 1; plus strand), MIR103A2 (microRNA 103a-2; plus strand), MIR103B2 (microRNA 103b-2; minus strand), MIR1292 (microRNA 1292; plus strand) and 579 more. Cytogenetic location: 20p13-11.23.
Variant type: copy number gain.
Change: copy number 3 (three copies instead of two) of chr20:89,939-19,146,279 (19.06 Mb, GRCh38 coordinates, 1-based), cytogenetic band 20p13-11.23.
Identifiers: ClinVar variation 57354 (VCV000057354.1).